The following is an entry in ClinVar:

ClinVar aggregate classification (germline): Conflicting classifications of pathogenicity. Review status: criteria provided, conflicting classifications (1 of 4 stars). 4 submissions from 4 submitters: Uncertain significance (3); Benign (1). Last evaluated 2025-12-27.

Conditions:
Cardiovascular phenotype. Identifiers: MedGen CN230736.
Long QT syndrome (LQTS). Identifiers: MedGen C0023976, MeSH D008133, MONDO:0002442. Disease mechanism: loss of function. Inheritance: Various modes of inheritance.
Cardiac arrhythmia, ankyrin-B-related. Also called: ANKYRIN-B SYNDROME. Identifiers: Orphanet 101016, Orphanet 768, MedGen C1970119, MONDO:0010958, OMIM 600919.

Allele frequency attached by ClinVar (database versions not stated): gnomAD exomes 0.00001; ESP Exome Variant Server 0.00008; gnomAD 0.00010; TOPMed 0.00016.
gnomAD v4.1: 22 of 1,613,906 alleles (0.0014%); highest among the groups gnomAD compares: African/African-American, 0.028%; no homozygotes.

Submissions (4):

Labcorp Genetics (formerly Invitae), Labcorp
Classification: Uncertain significance for Long QT syndrome. Last evaluated: 2025-12-27. Review status: criteria provided, single submitter. Criteria: Invitae Variant Classification Sherloc (09022015). Collection method: clinical testing. Allele origin: germline.
Comment: This sequence change replaces threonine, which is neutral and polar, with proline, which is neutral and non-polar, at codon 3744 of the ANK2 protein (p.Thr3744Pro). This variant is present in population databases (rs372212045, gnomAD 0.02%). This missense change has been observed in individual(s) with sudden unexplained death (PMID: 29247119). ClinVar contains an entry for this variant (Variation ID: 190579). An algorithm developed to predict the effect of missense changes on protein structure and function (PolyPhen-2) suggests that this variant is likely to be tolerated. In summary, the available evidence is currently insufficient to determine the role of this variant in disease. Therefore, it has been classified as a Variant of Uncertain Significance.

GeneDx
Classification: Uncertain significance. Last evaluated: 2021-12-23. Review status: criteria provided, single submitter. Criteria: GeneDx Variant Classification Process June 2021. Collection method: clinical testing. Allele origin: germline. Affected: yes.
Comment: Reported in a patient with sudden unexplained death (Lin et al., 2017); however, specific clinical information was not provided; In silico analysis supports that this missense variant does not alter protein structure/function; Reported in ClinVar as a variant of uncertain significance (ClinVar Variant ID# 190579); This variant is associated with the following publications: (PMID: 29247119)

Ambry Genetics
Classification: Benign for Cardiovascular phenotype. Last evaluated: 2021-10-28. Review status: criteria provided, single submitter. Criteria: Ambry Variant Classification Scheme 2023. Collection method: clinical testing. Allele origin: germline.

Fulgent Genetics
Classification: Uncertain significance for Cardiac arrhythmia, ankyrin-B-related. Last evaluated: 2021-09-13. Review status: criteria provided, single submitter. Criteria: ACMG Guidelines, 2015. Collection method: clinical testing. Allele origin: unknown.

Literature cited by the submitters: PubMed 29247119 (cited by Labcorp Genetics (formerly Invitae), Labcorp and Ambry Genetics); PubMed 15178757 (cited by Ambry Genetics).

NM_001148.6(ANK2):c.11230A>C (p.Thr3744Pro)

Gene: ANK2 (ankyrin 2; plus strand). Cytogenetic location: 4q26.
Variant type: single nucleotide variant.
Coding change: c.11230A>C on transcript NM_001148.6 (MANE Select); coding-DNA position 11230, A replaced by C.
Protein change: p.Thr3744Pro; replaces threonine 3744 with proline.
Molecular consequence: missense variant.
Genome position (GRCh38, 1-based): chr4:113,367,763, A>C. VCF-style: chr4-113367763-A-C. GRCh37 (hg19) VCF-style: chr4-114288919-A-C.
Other names: p.T3744P:ACT>CCT; c.4948A>C, p.Thr1650Pro (NM_001127493.3); c.4987A>C, p.Thr1663Pro (NM_001354225.2); c.4876A>C, p.Thr1626Pro (NM_001354228.2, NM_001354258.2); c.4954A>C, p.Thr1652Pro (NM_001354230.2); c.5017A>C, p.Thr1673Pro (NM_001354231.2, NM_001354242.2); c.5011A>C, p.Thr1671Pro (NM_001354232.2); c.4972A>C, p.Thr1658Pro (NM_001354235.2, NM_001354246.2, NM_001354265.2); and 36 more; short protein forms T1650P, T3744P, T1559P, T1564P, T1572P, T1581P, T1593P, T1604P.
Identifiers: ClinVar variation 190579 (VCV000190579.13), dbSNP rs372212045, ClinGen allele CA300948.